The following is an entry in ClinVar:

ClinVar aggregate classification (germline): Benign/Likely benign. Review status: criteria provided, multiple submitters, no conflicts (2 of 4 stars). 2 submissions from 2 submitters: Benign (1); Likely benign (1). Last evaluated 2023-07-25.

Conditions:
LAMA2-related muscular dystrophy (LAMA2-RD). Also called: Laminin alpha 2-related dystrophy. Identifiers: MedGen C5679788, MONDO:0100228.

Allele frequency attached by ClinVar (database versions not stated): TOPMed below 0.00001; ExAC 0.00010; gnomAD exomes 0.00011.
gnomAD v4.1: 63 of 1,611,976 alleles (0.0039%); highest among the groups gnomAD compares: South Asian, 0.069%; 1 homozygote.

Submissions (2):

Labcorp Genetics (formerly Invitae), Labcorp
Classification: Benign for LAMA2-related muscular dystrophy. Last evaluated: 2023-07-25. Review status: criteria provided, single submitter. Criteria: Invitae Variant Classification Sherloc (09022015). Collection method: clinical testing. Allele origin: germline.

GeneDx
Classification: Likely benign. Last evaluated: 2017-06-08. Review status: criteria provided, single submitter. Criteria: GeneDx Variant Classification (06012015). Collection method: clinical testing. Allele origin: germline. Affected: yes.
Comment: This variant is considered likely benign or benign based on one or more of the following criteria: it is a conservative change, it occurs at a poorly conserved position in the protein, it is predicted to be benign by multiple in silico algorithms, and/or has population frequency not consistent with disease.

NM_000426.4(LAMA2):c.6666G>A (p.Leu2222=)

Gene: LAMA2 (laminin subunit alpha 2; plus strand). Cytogenetic location: 6q22.33.
Variant type: single nucleotide variant.
Coding change: c.6666G>A on transcript NM_000426.4 (MANE Select); coding-DNA position 6666, G replaced by A.
Protein change: p.Leu2222=; no amino-acid change (leucine 2222 retained).
Molecular consequence: synonymous variant.
Genome position (GRCh38, 1-based): chr6:129,454,247, G>A. VCF-style: chr6-129454247-G-A. GRCh37 (hg19) VCF-style: chr6-129775392-G-A.
Other names: c.6666G>A, p.Leu2222= (NM_001079823.2).
Identifiers: ClinVar variation 510030 (VCV000510030.9), dbSNP rs772358536, ClinGen allele CA3994326.
Genomic context (GRCh38, chr6:129,454,247, plus strand): 5'-CAAAGTCAGCTTCCTCTGGGATGTTGGATCTGGAGTTGGACGTGTAGAGTACCCAGATTT[G>A]ACTATTGATGACTCATATTGGTACCGTATCGTAGCATCAAGGTAACCAACTTAATAAAGA-3'
Protein context (NP_000417.3, residues 2212-2232): SGVGRVEYPD[Leu2222=]TIDDSYWYRI